The following is an entry in ClinVar:

NM_004174.4(SLC9A3):c.2166G>C (p.Glu722Asp)

Genes: SLC9A3 (solute carrier family 9 member A3), SLC9A3-AS1 (SLC9A3 antisense RNA 1; plus strand). Cytogenetic location: 5p15.33.
Variant type: single nucleotide variant.
Coding change: c.2166G>C on transcript NM_004174.4 (MANE Select); coding-DNA position 2166, G replaced by C.
Protein change: p.Glu722Asp; replaces glutamic acid 722 with aspartic acid.
Molecular consequence: missense variant.
Genome position (GRCh38, 1-based): chr5:475,646, C>G on the plus strand (G>C on the coding strand, the complement: SLC9A3 is on the minus strand). VCF-style: chr5-475646-C-G. GRCh37 (hg19) VCF-style: chr5-475761-C-G.
Other names: c.2139G>C, p.Glu713Asp (NM_001284351.3); short protein forms E722D, E713D.
Identifiers: ClinVar variation 2858340 (VCV002858340.3), dbSNP rs2477535940, ClinGen allele CA359024144.

ClinVar aggregate classification (germline): Uncertain significance (1 of 4 stars; one submission).

Submission:

Labcorp Genetics (formerly Invitae), Labcorp
Classification: Uncertain significance. Last evaluated: 2024-01-04. Review status: criteria provided, single submitter. Criteria: Invitae Variant Classification Sherloc (09022015). Collection method: clinical testing. Allele origin: germline.
Comment: This sequence change replaces glutamic acid, which is acidic and polar, with aspartic acid, which is acidic and polar, at codon 722 of the SLC9A3 protein (p.Glu722Asp). This variant is not present in population databases (gnomAD no frequency). This variant has not been reported in the literature in individuals affected with SLC9A3-related conditions. Algorithms developed to predict the effect of missense changes on protein structure and function output the following: SIFT: "Not Available"; PolyPhen-2: "Benign"; Align-GVGD: "Not Available". The aspartic acid amino acid residue is found in multiple mammalian species, which suggests that this missense change does not adversely affect protein function. In summary, the available evidence is currently insufficient to determine the role of this variant in disease. Therefore, it has been classified as a Variant of Uncertain Significance.